The following is an entry in ClinVar:

ClinVar aggregate classification (germline): Likely benign. Review status: criteria provided, multiple submitters, no conflicts (2 of 4 stars). 2 submissions from 2 submitters: Likely benign (2). Last evaluated 2024-03-23.

Allele frequency attached by ClinVar (database versions not stated): ExAC below 0.00001.

Submissions (2):

Labcorp Genetics (formerly Invitae), Labcorp
Classification: Likely benign. Last evaluated: 2024-03-23. Review status: criteria provided, single submitter. Criteria: Invitae Variant Classification Sherloc (09022015). Collection method: clinical testing. Allele origin: germline.

GeneDx
Classification: Likely benign. Last evaluated: 2016-02-18. Review status: criteria provided, single submitter. Criteria: GeneDx Variant Classification (06012015). Collection method: clinical testing. Allele origin: germline. Affected: yes.
Comment: This variant is considered likely benign or benign based on one or more of the following criteria: it is a conservative change, it occurs at a poorly conserved position in the protein, it is predicted to be benign by multiple in silico algorithms, and/or has population frequency not consistent with disease.

NM_005654.6(NR2F1):c.60C>G (p.Pro20=)

Genes: NR2F1-AS1 (NR2F1 regulatory antisense RNA 1; minus strand), NR2F1 (nuclear receptor subfamily 2 group F member 1; plus strand). Cytogenetic location: 5q15.
Variant type: single nucleotide variant.
Coding change: c.60C>G on transcript NM_005654.6 (MANE Select); coding-DNA position 60, C replaced by G.
Protein change: p.Pro20=; no amino-acid change (proline 20 retained).
Molecular consequence: synonymous variant.
Genome position (GRCh38, 1-based): chr5:93,585,083, C>G. VCF-style: chr5-93585083-C-G. GRCh37 (hg19) VCF-style: chr5-92920789-C-G.
Identifiers: ClinVar variation 383591 (VCV000383591.6), dbSNP rs753932507, ClinGen allele CA3343104.